The following is an entry in ClinVar:

ClinVar aggregate classification (germline): Likely benign. Review status: criteria provided, single submitter (1 of 4 stars). 2 submissions from 2 submitters: Likely benign (1). 1 of the submissions does not count toward it. Last evaluated 2025-10-29.

Conditions:
TNFRSF9-related disorder. Also called: TNFRSF9-related condition.

Allele frequency attached by ClinVar (database versions not stated): ExAC 0.00024; gnomAD 0.00078 and 0.00079; 1000 Genomes Project 0.00120; ESP Exome Variant Server 0.00138; 1000 Genomes Project 30x 0.00156.
gnomAD v4.1: 216 of 1,573,630 alleles (0.014%); highest among the groups gnomAD compares: African/African-American, 0.26%; no homozygotes.

Submissions (2):

Labcorp Genetics (formerly Invitae), Labcorp
Classification: Likely benign. Last evaluated: 2025-10-29. Review status: criteria provided, single submitter. Criteria: Invitae Variant Classification Sherloc (09022015). Collection method: clinical testing. Allele origin: germline.

PreventionGenetics, part of Exact Sciences
Classification: Likely benign for TNFRSF9-related condition. Last evaluated: 2023-02-15. Review status: no assertion criteria provided. Collection method: clinical testing. Allele origin: germline. Not counted in ClinVar's aggregate classification.
Comment: This variant is classified as likely benign based on ACMG/AMP sequence variant interpretation guidelines (Richards et al. 2015 PMID: 25741868, with internal and published modifications).

NM_001561.6(TNFRSF9):c.345A>C (p.Lys115Asn)

Gene: TNFRSF9 (TNF receptor superfamily member 9; minus strand). Cytogenetic location: 1p36.23.
Variant type: single nucleotide variant.
Coding change: c.345A>C on transcript NM_001561.6 (MANE Select); coding-DNA position 345, A replaced by C.
Protein change: p.Lys115Asn; replaces lysine 115 with asparagine.
Molecular consequence: missense variant.
Genome position (GRCh38, 1-based): chr1:7,938,194, T>G on the plus strand (A>C on the coding strand, the complement: TNFRSF9 is on the minus strand). VCF-style: chr1-7938194-T-G. GRCh37 (hg19) VCF-style: chr1-7998254-T-G.
Other names: c.345A>C (NM_001561.5); short protein forms K115N.
Identifiers: ClinVar variation 1134121 (VCV001134121.11), dbSNP rs9657965, ClinGen allele CA569279.